The following is an entry in ClinVar:

ClinVar aggregate classification (germline): Conflicting classifications of pathogenicity. Review status: criteria provided, conflicting classifications (1 of 4 stars). 8 submissions from 8 submitters: Uncertain significance (3); Likely benign (4). 1 of the submissions does not count toward it. Last evaluated 2026-01-19.

Conditions:
Inborn genetic diseases. Identifiers: MedGen C0950123, MeSH D030342.
Nemaline myopathy 2 (NEM2). Also called: Nemaline myopathy 2, autosomal recessive. Identifiers: MedGen C1850569, MONDO:0009725, OMIM 256030.

Allele frequency attached by ClinVar (database versions not stated): ESP Exome Variant Server 0.00042; gnomAD 0.00058 and 0.00061; TOPMed 0.00065; 1000 Genomes Project 0.00100; 1000 Genomes Project 30x 0.00109.
gnomAD v4.1: 916 of 1,599,494 alleles (0.057%); highest among the groups gnomAD compares: Middle Eastern, 0.12%; 1 homozygote.

Submissions (8):

Labcorp Genetics (formerly Invitae), Labcorp
Classification: Likely benign for Nemaline myopathy 2. Last evaluated: 2026-01-19. Review status: criteria provided, single submitter. Criteria: Invitae Variant Classification Sherloc (09022015). Collection method: clinical testing. Allele origin: germline.

Blueprint Genetics
Classification: Likely benign. Last evaluated: 2024-11-18. Review status: criteria provided, single submitter. Criteria: ACMG Guidelines, 2015. Collection method: clinical testing. Allele origin: germline.

CeGaT Center for Human Genetics Tuebingen
Classification: Likely benign. Last evaluated: 2024-09-01. Review status: criteria provided, single submitter. Criteria: CeGaT Center For Human Genetics Tuebingen Variant Classification Criteria Version 2. Collection method: clinical testing. Allele origin: germline. Affected: yes. Observed: 4 variant alleles.
Comment: NEB: BP4

Ambry Genetics
Classification: Uncertain significance for Inborn genetic diseases. Last evaluated: 2024-04-17. Review status: criteria provided, single submitter. Criteria: Ambry Variant Classification Scheme 2023. Collection method: clinical testing. Allele origin: germline.

AiLife Diagnostics
Classification: Uncertain significance. Last evaluated: 2021-06-18. Review status: criteria provided, single submitter. Criteria: ACMG Guidelines, 2015. Collection method: clinical testing. Allele origin: germline. Affected: yes. Observed: 1 variant allele.

GeneDx
Classification: Likely benign. Last evaluated: 2020-07-15. Review status: criteria provided, single submitter. Criteria: GeneDx Variant Classification Process June 2021. Collection method: clinical testing. Allele origin: germline. Affected: yes.
Comment: This variant is associated with the following publications: (PMID: 28180184)

Illumina Laboratory Services, Illumina
Classification: Uncertain significance for Nemaline myopathy 2. Last evaluated: 2018-01-12. Review status: criteria provided, single submitter. Criteria: ICSL Variant Classification Criteria 13 December 2019. Collection method: clinical testing. Allele origin: germline.

Natera, Inc.
Classification: Uncertain significance for Nemaline myopathy type 2. Last evaluated: 2020-01-11. Review status: no assertion criteria provided. Collection method: clinical testing. Allele origin: germline. Not counted in ClinVar's aggregate classification.

NM_001164508.2(NEB):c.18431A>G (p.His6144Arg)

Gene: NEB (nebulin; minus strand). Cytogenetic location: 2q23.3.
Variant type: single nucleotide variant.
Coding change: c.18431A>G on transcript NM_001164508.2 (MANE Select); coding-DNA position 18431, A replaced by G.
Protein change: p.His6144Arg; replaces histidine 6144 with arginine.
Molecular consequence: missense variant.
Genome position (GRCh38, 1-based): chr2:151,565,084, T>C on the plus strand (A>G on the coding strand, the complement: NEB is on the minus strand). VCF-style: chr2-151565084-T-C. GRCh37 (hg19) VCF-style: chr2-152421598-T-C.
Other names: c.18431A>G, p.His6144Arg (NM_001164507.2, NM_001271208.2); c.13328A>G, p.His4443Arg (NM_004543.5); short protein forms H6144R, H4443R.
Identifiers: ClinVar variation 331457 (VCV000331457.50), dbSNP rs34504204, ClinGen allele CA1907957.